The following is an entry in ClinVar:

NM_001127898.4(CLCN5):c.276G>T (p.Trp92Cys)

Gene: CLCN5 (chloride voltage-gated channel 5; plus strand). Cytogenetic location: Xp11.23.
Variant type: single nucleotide variant.
Coding change: c.276G>T on transcript NM_001127898.4 (MANE Select); coding-DNA position 276, G replaced by T.
Protein change: p.Trp92Cys; replaces tryptophan 92 with cysteine.
Molecular consequence: missense variant. On other transcripts: non-coding transcript variant (1).
Genome position (GRCh38, 1-based): chrX:50,069,991, G>T. VCF-style: chrX-50069991-G-T. GRCh37 (hg19) VCF-style: chrX-49834646-G-T.
Other names: c.66G>T, p.Trp22Cys (NM_000084.5); c.276G>T, p.Trp92Cys (NM_001127899.4); c.126G>T, p.Trp42Cys (NM_001282163.2); c.288G>T, p.Trp96Cys (NM_001440756.1, NM_001440757.1); short protein forms W96C, W22C, W92C, W42C.
Identifiers: ClinVar variation 4526218 (VCV004526218.1).

ClinVar aggregate classification (germline): Uncertain significance (1 of 4 stars; one submission).

Submission:

Women's Health and Genetics/Laboratory Corporation of America, LabCorp
Classification: Uncertain significance. Last evaluated: 2025-07-24. Review status: criteria provided, single submitter. Criteria: LabCorp Variant Classification Summary - May 2015. Collection method: clinical testing. Allele origin: germline.
Comment: Variant summary: CLCN5 c.66G>T (p.Trp22Cys) results in a non-conservative amino acid change in the encoded protein sequence. Algorithms developed to predict the effect of missense changes on protein structure and function all suggest that this variant is likely to be disruptive. The variant was absent in 182409 control chromosomes. The available data on variant occurrences in the general population are insufficient to allow any conclusion about variant significance. c.66G>T has been observed in an individual affected with Dent Disease (Sakakibara_2020). These data do not allow any conclusion about variant significance. To our knowledge, no experimental evidence demonstrating an impact on protein function has been reported. The following publication have been ascertained in the context of this evaluation (PMID: 32683654). No submitters have cited clinical-significance assessments for this variant to ClinVar. Based on the evidence outlined above, the variant was classified as uncertain significance.

Literature cited by the submitters: PubMed 32683654.